The following is an entry in ClinVar:

ClinVar aggregate classification (germline): Likely pathogenic. Review status: criteria provided, multiple submitters, no conflicts (2 of 4 stars). 5 submissions from 5 submitters: Likely pathogenic (4). 1 of the submissions does not count toward it. Last evaluated 2026-09-08.

Conditions:
GLB1-related disorder. Also called: GLB1-related disorders. Identifiers: MedGen CN377807.
Infantile GM1 gangliosidosis. Also called: GM1-gangliosidosis, type I; Gangliosidosis, generalized GM1, infantile form; GLB1 deficiency; GM1 gangliosidosis type 1; Gangliosidosis, Generalized GM1, Type 1. Identifiers: Orphanet 354, Orphanet 79255, MedGen C0268271, MONDO:0009260, OMIM 230500.
GM1 gangliosidosis type 2. Also called: Gangliosidosis, Generalized GM1, Type 2; GM1-GANGLIOSIDOSIS, TYPE II; GANGLIOSIDOSIS, GENERALIZED GM1, JUVENILE TYPE; GANGLIOSIDOSIS, GENERALIZED GM1, TYPE II; Juvenile GM>1< gangliosidosis. Identifiers: Orphanet 354, Orphanet 79256, MedGen C0268272, MONDO:0009261, OMIM 230600.
Mucopolysaccharidosis, MPS-IV-B (MPS4B). Also called: Mucopolysaccharidosis type 4B; Mucopolysaccharidosis type IVB (Morquio); MPS IVB; Mucopolysaccharidosis type IV B; Mucopolysaccharidosis Type IVB (Morquio B Disease); MORQUIO SYNDROME B. Identifiers: Orphanet 309310, Orphanet 582, MedGen C0086652, MONDO:0009660, OMIM 253010.
GM1 gangliosidosis type 3. Also called: Gangliosidosis, Generalized GM1, Type 3; GM1-GANGLIOSIDOSIS, TYPE III; GANGLIOSIDOSIS, GENERALIZED GM1, ADULT TYPE; GANGLIOSIDOSIS, GENERALIZED GM1, CHRONIC TYPE; GANGLIOSIDOSIS, GENERALIZED GM1, TYPE III; Beta-galactosidase deficiency. Identifiers: Orphanet 79257, MedGen C0268273, MONDO:0009262, OMIM 230650.

Allele frequency attached by ClinVar (database versions not stated): TOPMed below 0.00001; gnomAD 0.00001; gnomAD exomes 0.00001 and below 0.00001.
gnomAD v4.1: 8 of 1,614,046 alleles (0.0005%); highest among the groups gnomAD compares: South Asian, 0.0011%; no homozygotes.

Submissions (5):

Myriad Genetics, Inc.
Classification: Likely pathogenic for GLB1-related disorder. Last evaluated: 2026-09-08. Review status: criteria provided, single submitter. Criteria: Myriad Autosomal Dominant, Autosomal Recessive and X-Linked Classification Criteria (2023). Collection method: clinical testing. Allele origin: unknown.
Comment: NM_000404.2(GLB1):c.1438A>G(M480V) is a missense variant classified as likely pathogenic in the context of GLB1-related disorders. M480V has been observed in cases with relevant disease (PMID: 21520340, NoPMID_Xiaoling_2024). Relevant functional assessments of this variant are available in the literature (PMID: 21520340, 23337983). M480V has been observed in referenced population frequency databases. In summary, NM_000404.2(GLB1):c.1438A>G(M480V) is a missense variant that has functional support for pathogenicity and has been observed more frequently in cases with the relevant disease than in healthy populations. Please note: this variant was assessed in the context of healthy population screening.

Fulgent Genetics
Classification: Likely pathogenic for Infantile GM1 gangliosidosis; GM1 gangliosidosis type 2; GM1 gangliosidosis type 3; Mucopolysaccharidosis, MPS-IV-B. Last evaluated: 2024-05-22. Review status: criteria provided, single submitter. Criteria: ACMG Guidelines, 2015. Collection method: clinical testing. Allele origin: germline.

Women's Health and Genetics/Laboratory Corporation of America, LabCorp
Classification: Likely pathogenic for Mucopolysaccharidosis, MPS-IV-B. Last evaluated: 2024-05-17. Review status: criteria provided, single submitter. Criteria: LabCorp Variant Classification Summary - May 2015. Collection method: clinical testing. Allele origin: germline.
Comment: Variant summary: GLB1 c.1438A>G (p.Met480Val) results in a conservative amino acid change located in the Beta-galactosidase 1-like , first all-beta domain (IPR048912) of the encoded protein sequence. Three of five in-silico tools predict a damaging effect of the variant on protein function. The variant allele was found at a frequency of 8e-06 in 249584 control chromosomes. c.1438A>G has been reported in the literature in at least one compound heterozygous individual affected with GM1-Gangliosidosis (e.g. Higaki_2011). At least one publication reports experimental evidence evaluating an impact on protein function. The most pronounced variant effect results in <10% of beta-galatosidase activity in vrito (e.g. Takai_2013). The following publications have been ascertained in the context of this evaluation (PMID: 21520340, 23337983). ClinVar contains an entry for this variant (Variation ID: 553636). Based on the evidence outlined above, the variant was classified as likely pathogenic.

GeneDx
Classification: Likely pathogenic. Last evaluated: 2023-01-03. Review status: criteria provided, single submitter. Criteria: GeneDx Variant Classification Process June 2021. Collection method: clinical testing. Allele origin: germline. Affected: yes.
Comment: Reported with a second GLB1 variant, phase unknown, in a patient with infantile GM1-gangliosidosis (Higaki et al., 2011); Published functional studies demonstrate M480V reduced beta-galactosidase activity to approximately 10% of wild-type (Takai et al., 2013); In silico analysis supports that this missense variant has a deleterious effect on protein structure/function; Not observed at significant frequency in large population cohorts (gnomAD); This variant is associated with the following publications: (PMID: 21520340, 29396849, 23337983)

Counsyl
Classification: Uncertain significance for Infantile GM1 gangliosidosis; GM1 gangliosidosis type 2; GM1 gangliosidosis type 3; Mucopolysaccharidosis, MPS-IV-B. Last evaluated: 2017-09-01. Review status: no assertion criteria provided. Collection method: clinical testing. Allele origin: unknown. Not counted in ClinVar's aggregate classification.

Literature cited by the submitters: PubMed 21520340 (cited by 3 submitters); PubMed 23337983 (cited by 3 submitters).

NM_000404.4(GLB1):c.1438A>G (p.Met480Val)

Gene: GLB1 (galactosidase beta 1; minus strand). Cytogenetic location: 3p22.3.
Variant type: single nucleotide variant.
Coding change: c.1438A>G on transcript NM_000404.4 (MANE Select); coding-DNA position 1438, A replaced by G.
Protein change: p.Met480Val; replaces methionine 480 with valine.
Molecular consequence: missense variant.
Genome position (GRCh38, 1-based): chr3:33,016,750, T>C on the plus strand (A>G on the coding strand, the complement: GLB1 is on the minus strand). VCF-style: chr3-33016750-T-C. GRCh37 (hg19) VCF-style: chr3-33058242-T-C.
Other names: c.1348A>G, p.Met450Val (NM_001079811.3); c.1045A>G, p.Met349Val (NM_001135602.3); c.1582A>G, p.Met528Val (NM_001317040.2); c.1438A>G, p.Met480Val (NM_001393580.1); short protein forms M480V, M349V, M528V, M450V.
Identifiers: ClinVar variation 553636 (VCV000553636.6), dbSNP rs1280400930, ClinGen allele CA351988871.